The following is an entry in ClinVar:

ClinVar aggregate classification (germline): Uncertain significance (1 of 4 stars; one submission).

Submission:

Labcorp Genetics (formerly Invitae), Labcorp
Classification: Uncertain significance. Last evaluated: 2021-05-30. Review status: criteria provided, single submitter. Criteria: Invitae Variant Classification Sherloc (09022015). Collection method: clinical testing. Allele origin: germline.
Comment: In summary, the available evidence is currently insufficient to determine the role of this variant in disease. Therefore, it has been classified as a Variant of Uncertain Significance. Algorithms developed to predict the effect of missense changes on protein structure and function (SIFT, PolyPhen-2, Align-GVGD) all suggest that this variant is likely to be tolerated, but these predictions have not been confirmed by published functional studies and their clinical significance is uncertain. This variant has not been reported in the literature in individuals with SZT2-related conditions. This variant is not present in population databases (ExAC no frequency). This sequence change replaces serine with threonine at codon 2364 of the SZT2 protein (p.Ser2364Thr). The serine residue is moderately conserved and there is a small physicochemical difference between serine and threonine.

NM_001365999.1(SZT2):c.7262G>C (p.Ser2421Thr)

Gene: SZT2 (SZT2 subunit of KICSTOR complex; plus strand). Cytogenetic location: 1p34.2.
Variant type: single nucleotide variant.
Coding change: c.7262G>C on transcript NM_001365999.1 (MANE Select); coding-DNA position 7262, G replaced by C.
Protein change: p.Ser2421Thr; replaces serine 2421 with threonine.
Molecular consequence: missense variant.
Genome position (GRCh38, 1-based): chr1:43,440,504, G>C. VCF-style: chr1-43440504-G-C. GRCh37 (hg19) VCF-style: chr1-43906175-G-C.
Other names: c.7091G>C, p.Ser2364Thr (NM_015284.4); short protein forms S2364T, S2421T.
Identifiers: ClinVar variation 1503966 (VCV001503966.8), dbSNP rs2153935562, ClinGen allele CA340034321.